The following is an entry in ClinVar:

NM_182961.4(SYNE1):c.16050AATAGA[1] (p.Glu5352_Ile5353del)

Gene: SYNE1 (spectrin repeat containing nuclear envelope protein 1; minus strand). Cytogenetic location: 6q25.2.
Variant type: Microsatellite.
Coding change: c.16050AATAGA[1] on transcript NM_182961.4 (MANE Select); one copy of the 6-base unit AATAGA starting at c.16050; the reference has two copies in a row; one copy, 6 bases deleted.
Protein change: p.Glu5352_Ile5353del.
Molecular consequence: inframe deletion.
Genome position (GRCh38, 1-based): chr6:152,321,743-152,321,748, TCTATT deleted on the plus strand (AATAGA on the coding strand, the reverse complement: SYNE1 is on the minus strand); deleting any 6 consecutive bases within chr6:152,321,743-152,321,754 gives the same sequence; the position shown is the placement nearest the transcript's 3' end. VCF-style (leftmost placement, unchanged base first): chr6-152321742-ATCTATT-A. GRCh37 (hg19) VCF-style: chr6-152642877-ATCTATT-A.
Other names: c.15837AATAGA[1], p.Glu5281_Ile5282del (NM_033071.5).
Identifiers: ClinVar variation 1051715 (VCV001051715.9), dbSNP rs1487695655, ClinGen allele CA571437804.
Genomic context (GRCh38, chr6:152,321,742, plus strand): 5'-GAAATGATGGGTAAAGAGAATGAGGAGACTTTTTTGTACCTGAAGTTCTTCAAGTTGAGC[ATCTATT>A]TCTATTGTTGGATTCCCTAAATATTCTTTCGTTTCCTGAACCCAACATTTCACAGAATTG-3'

ClinVar aggregate classification (germline): Uncertain significance (1 of 4 stars; one submission).

Conditions:
Emery-Dreifuss muscular dystrophy 4, autosomal dominant (EDMD4). Also called: EMERY-DREIFUSS MUSCULAR DYSTROPHY 4 WITH VARIABLE FEATURES. Identifiers: Orphanet 261, MedGen C2751807, MONDO:0013071, OMIM 612998.
Autosomal recessive ataxia, Beauce type. Also called: Spinocerebellar ataxia, autosomal recessive 8; ATAXIA, RECESSIVE, OF BEAUCE; SYNE1 Deficiency; SYNE1-Related Autosomal Recessive Cerebellar Ataxia. Identifiers: Orphanet 88644, MedGen C1853116, MONDO:0012549, OMIM 610743.

Submission:

Labcorp Genetics (formerly Invitae), Labcorp
Classification: Uncertain significance for Emery-Dreifuss muscular dystrophy 4, autosomal dominant; Autosomal recessive ataxia, Beauce type. Last evaluated: 2024-11-11. Review status: criteria provided, single submitter. Criteria: Invitae Variant Classification Sherloc (09022015). Collection method: clinical testing. Allele origin: germline.
Comment: This variant, c.15843_15848del, results in the deletion of 2 amino acid(s) of the SYNE1 protein (p.Glu5281_Ile5282del), but otherwise preserves the integrity of the reading frame. This variant is present in population databases (no rsID available, gnomAD 0.006%). This variant has not been reported in the literature in individuals affected with SYNE1-related conditions. Experimental studies and prediction algorithms are not available or were not evaluated, and the functional significance of this variant is currently unknown. In summary, the available evidence is currently insufficient to determine the role of this variant in disease. Therefore, it has been classified as a Variant of Uncertain Significance.